The following is an entry in ClinVar:

ClinVar aggregate classification (germline): Likely benign. Review status: criteria provided, single submitter (1 of 4 stars). 2 submissions from 2 submitters: Likely benign (1). 1 of the submissions does not count toward it. Last evaluated 2025-09-06.

Conditions:
DAG1-related disorder. Also called: DAG1-related condition.
Autosomal recessive limb-girdle muscular dystrophy type 2P. Also called: MUSCULAR DYSTROPHY, LIMB-GIRDLE, TYPE 2P; Limb-Girdle Muscular Dystrophy Type 9C; MUSCULAR DYSTROPHY-DYSTROGLYCANOPATHY, LIMB-GIRDLE, DAG1-RELATED. Identifiers: Orphanet 280333, MedGen C4511963, MONDO:0013440, OMIM 613818.
Muscular dystrophy-dystroglycanopathy (congenital with brain and eye anomalies), type A9. Also called: WALKER-WARBURG SYNDROME OR MUSCLE-EYE BRAIN DISEASE, DAG1-RELATED; Muscular dystrophy-dystroglycanopathy (congenital with brain and eye anomalies), type a, 9. Identifiers: Orphanet 370997, Orphanet 899, MedGen C4225291, MONDO:0014683, OMIM 616538.

Allele frequency attached by ClinVar (database versions not stated): 1000 Genomes Project 0.00040; 1000 Genomes Project 30x 0.00047; gnomAD 0.00007; TOPMed 0.00009.
gnomAD v4.1: 41 of 1,614,144 alleles (0.0025%); highest among the groups gnomAD compares: East Asian, 0.071%; no homozygotes.

Submissions (2):

Labcorp Genetics (formerly Invitae), Labcorp
Classification: Likely benign for Autosomal recessive limb-girdle muscular dystrophy type 2P; Muscular dystrophy-dystroglycanopathy (congenital with brain and eye anomalies), type A9. Last evaluated: 2025-09-06. Review status: criteria provided, single submitter. Criteria: Invitae Variant Classification Sherloc (09022015). Collection method: clinical testing. Allele origin: germline.

PreventionGenetics, part of Exact Sciences
Classification: Likely benign for DAG1-related condition. Last evaluated: 2019-11-18. Review status: no assertion criteria provided. Collection method: clinical testing. Allele origin: germline. Not counted in ClinVar's aggregate classification.
Comment: This variant is classified as likely benign based on ACMG/AMP sequence variant interpretation guidelines (Richards et al. 2015 PMID: 25741868, with internal and published modifications).

NM_004393.6(DAG1):c.462C>T (p.Ile154=)

Gene: DAG1 (dystroglycan 1; plus strand). Cytogenetic location: 3p21.31.
Variant type: single nucleotide variant.
Coding change: c.462C>T on transcript NM_004393.6 (MANE Select); coding-DNA position 462, C replaced by T.
Protein change: p.Ile154=; no amino-acid change (isoleucine 154 retained).
Molecular consequence: synonymous variant.
Genome position (GRCh38, 1-based): chr3:49,530,973, C>T. VCF-style: chr3-49530973-C-T. GRCh37 (hg19) VCF-style: chr3-49568406-C-T.
Other names: c.462C>T (NM_001165928.3); c.462C>T, p.Ile154= (NM_001165928.4, NM_001177634.3, NM_001177635.3 and 9 more transcripts).
Identifiers: ClinVar variation 2940513 (VCV002940513.5), dbSNP rs199654893, ClinGen allele CA2398909.